The following is an entry in ClinVar:

ClinVar aggregate classification (germline): Uncertain significance. Review status: criteria provided, multiple submitters, no conflicts (2 of 4 stars). 2 submissions from 2 submitters: Uncertain significance (2). Last evaluated 2024-12-31.

Conditions:
Hereditary cancer-predisposing syndrome. Also called: Tumor predisposition; Neoplastic Syndromes, Hereditary; Hereditary Cancer Syndrome; Hereditary neoplastic syndrome. Identifiers: Orphanet 140162, MedGen C0027672, MeSH D009386, MONDO:0015356.

Submissions (2):

GeneDx
Classification: Uncertain significance. Last evaluated: 2024-12-31. Review status: criteria provided, single submitter. Criteria: GeneDx Variant Classification Process June 2021. Collection method: clinical testing. Allele origin: germline. Affected: yes.
Comment: In silico analysis indicates that this missense variant does not alter protein structure/function; In silico analysis is inconclusive as to whether the variant alters gene splicing. In the absence of RNA/functional studies, the actual effect of this sequence change is unknown.; Not observed at significant frequency in large population cohorts (gnomAD); Has not been previously published as pathogenic or benign to our knowledge

Ambry Genetics
Classification: Uncertain significance for Hereditary cancer-predisposing syndrome. Last evaluated: 2024-12-13. Review status: criteria provided, single submitter. Criteria: Ambry Variant Classification Scheme 2023. Collection method: clinical testing. Allele origin: germline.
Comment: The p.K105E variant (also known as c.313A>G), located in coding exon 3 of the MRE11A gene, results from an A to G substitution at nucleotide position 313. The lysine at codon 105 is replaced by glutamic acid, an amino acid with similar properties. This amino acid position is conserved. In addition, the in silico prediction for this alteration is inconclusive. Based on the available evidence, the clinical significance of this variant remains unclear.

NM_005591.4(MRE11):c.313A>G (p.Lys105Glu)

Gene: MRE11 (MRE11 double strand break repair nuclease; minus strand). Cytogenetic location: 11q21.
Variant type: single nucleotide variant.
Coding change: c.313A>G on transcript NM_005591.4 (MANE Select); coding-DNA position 313, A replaced by G.
Protein change: p.Lys105Glu; replaces lysine 105 with glutamic acid.
Molecular consequence: missense variant.
Genome position (GRCh38, 1-based): chr11:94,485,925, T>C on the plus strand (A>G on the coding strand, the complement: MRE11 is on the minus strand). VCF-style: chr11-94485925-T-C. GRCh37 (hg19) VCF-style: chr11-94219091-T-C.
Other names: c.313A>G, p.Lys105Glu (NM_001330347.2, NM_005590.4); short protein forms K105E.
Identifiers: ClinVar variation 3874311 (VCV003874311.2).
Genomic context (GRCh38, chr11:94,485,925, plus strand): 5'-CTTATACAGCAAATACCATACACAAGTAATCACTCACTCAAGTAAATAAATATACTTACT[T>C]ACTAAAACCAAAGTTGACTGACTGATCACTGAGAATTTCAAACTGGACAGGCCGATCACC-3'
Protein context (NP_005582.1, residues 95-115): SDQSVNFGFS[Lys105Glu]FPWVNYQDGN